The following is an entry in ClinVar:

NM_000297.4(PKD2):c.1609C>T (p.Gln537Ter)

Gene: PKD2 (polycystin 2, transient receptor potential cation channel; plus strand). Cytogenetic location: 4q22.1.
Variant type: single nucleotide variant.
Coding change: c.1609C>T on transcript NM_000297.4 (MANE Select); coding-DNA position 1609, C replaced by T.
Protein change: p.Gln537Ter; replaces glutamine 537 with a stop codon.
Molecular consequence: nonsense. On other transcripts: non-coding transcript variant (1).
Genome position (GRCh38, 1-based): chr4:88,052,051, C>T. VCF-style: chr4-88052051-C-T. GRCh37 (hg19) VCF-style: chr4-88973203-C-T.
Other names: short protein forms Q537*.
Identifiers: ClinVar variation 997138 (VCV000997138.6), dbSNP rs1720124087, ClinGen allele CA357621697.
Genomic context (GRCh38, chr4:88,052,051, plus strand): 5'-CTGTCAGTGGTAGCTATAGGAATTAACATATACAGAACATCAAATGTGGAGGTGCTACTA[C>T]AGTTTCTGGAAGATCAAAATACTTTCCCCAACTTTGAGCATCTGGCATATTGGCAGATAC-3'

ClinVar aggregate classification (germline): Pathogenic/Likely pathogenic. Review status: criteria provided, multiple submitters, no conflicts (2 of 4 stars). 5 submissions from 5 submitters: Pathogenic (3); Likely pathogenic (1). 1 of the submissions does not count toward it. Last evaluated 2026-01-26.

Conditions:
Autosomal dominant polycystic kidney disease. Identifiers: Orphanet 730, MedGen C0085413, MONDO:0004691.
Polycystic kidney disease. Also called: Polycystic kidney dysplasia; Kidney, Polycystic. Identifiers: MedGen C0022680, MeSH D007690, MONDO:0020642, HP:0000113.
Polycystic kidney disease 2 (PKD2). Also called: Polycystic Kidney Disease 2, Autosomal Dominant; POLYCYSTIC KIDNEY DISEASE, ADULT, TYPE II; POLYCYSTIC KIDNEY DISEASE 2 WITH OR WITHOUT POLYCYSTIC LIVER DISEASE. Identifiers: MedGen C2751306, MONDO:0013131, OMIM 613095.

Submissions (5):

Medical and Scientific Branch, Hong Kong Genome Institute
Classification: Likely pathogenic for Polycystic kidney disease 2. Last evaluated: 2026-01-26. Review status: criteria provided, single submitter. Criteria: ACMG Guidelines, 2015. Collection method: clinical testing. Allele origin: unknown. Affected: yes.

Women's Health and Genetics/Laboratory Corporation of America, LabCorp
Classification: Pathogenic for Polycystic kidney disease 2. Last evaluated: 2025-03-10. Review status: criteria provided, single submitter. Criteria: LabCorp Variant Classification Summary - May 2015. Collection method: clinical testing. Allele origin: germline.
Comment: Variant summary: PKD2 c.1609C>T (p.Gln537X) results in a premature termination codon, predicted to cause a truncation of the encoded protein or absence of the protein due to nonsense mediated decay, which are commonly known mechanisms for disease. The variant was absent in 251076 control chromosomes. c.1609C>T has been reported in the literature in individuals affected with Polycystic Kidney Disease 2 (examples: Magistroni_2003). The following publication has been ascertained in the context of this evaluation (PMID: 12707387). ClinVar contains an entry for this variant (Variation ID: 997138). Based on the evidence outlined above, the variant was classified as pathogenic.

Labcorp Genetics (formerly Invitae), Labcorp
Classification: Pathogenic for Autosomal dominant polycystic kidney disease. Last evaluated: 2025-02-03. Review status: criteria provided, single submitter. Criteria: Invitae Variant Classification Sherloc (09022015). Collection method: clinical testing. Allele origin: germline.
Comment: This sequence change creates a premature translational stop signal (p.Gln537*) in the PKD2 gene. It is expected to result in an absent or disrupted protein product. Loss-of-function variants in PKD2 are known to be pathogenic (PMID: 17582161, 22863349). This variant is not present in population databases (gnomAD no frequency). This premature translational stop signal has been observed in individual(s) with PKD2-related conditions (PMID: 12707387, 27165007, 35325889). ClinVar contains an entry for this variant (Variation ID: 997138). Algorithms developed to predict the effect of sequence changes on RNA splicing suggest that this variant may disrupt the consensus splice site. For these reasons, this variant has been classified as Pathogenic.

Fulgent Genetics
Classification: Pathogenic for Polycystic kidney disease 2. Last evaluated: 2021-08-10. Review status: criteria provided, single submitter. Criteria: ACMG Guidelines, 2015. Collection method: clinical testing. Allele origin: unknown.

Department of Pathology and Laboratory Medicine, Sinai Health System
Classification: Pathogenic for Polycystic Kidney disease. Review status: no assertion criteria provided. Collection method: clinical testing. Allele origin: unknown. Affected: yes. Study: The Canadian Open Genetics Repository (COGR). Not counted in ClinVar's aggregate classification.
Comment: PKD2, EXON07, c.1609C>T, p.Gln537*, Heterozygous, Pathogenic The PKD2 p.Gln537* variant was identified in 3 of 2396 proband chromosomes (freq: 0.001) from individuals with autosomal dominant polycystic kidney disease (Magistroni 2003, Mallawaarachchi 2016 and Hwang 2016). The variant was identified once in LOVD 3.0 database, but was not present in dbSNP or ClinVar. The variant was not identified in the following control databases: the Exome Aggregation Consortium (August 8th 2016) or the Genome Aggregation Database (Feb 27, 2017). The p.Gln537* variant leads to a premature stop codon at position 537, which is predicted to lead to a loss of function caused by a truncated or absent protein. Loss of function variants of the PKD2 gene are an established mechanism of disease in autosomal dominant polycystic kidney disease and is the type of variant expected to cause the disorder. In summary, based on the above information, this variant meets our laboratoryâ€šÃ„Ã´s criteria to be classified as pathogenic. Assessment Date: 2019/07/23. References (PMIDs): 26453610, 12707387, 27165007.

Literature cited by the submitters: PubMed 12707387 (cited by Women's Health and Genetics/Laboratory Corporation of America, LabCorp and Labcorp Genetics (formerly Invitae), Labcorp); PubMed 17582161 (cited by Labcorp Genetics (formerly Invitae), Labcorp); PubMed 22863349 (cited by Labcorp Genetics (formerly Invitae), Labcorp); PubMed 27165007 (cited by Labcorp Genetics (formerly Invitae), Labcorp); PubMed 35325889 (cited by Labcorp Genetics (formerly Invitae), Labcorp).